The following is an entry in ClinVar:

NM_024407.5(NDUFS7):c.633C>T (p.Tyr211=)

Gene: NDUFS7 (NADH:ubiquinone oxidoreductase core subunit S7; plus strand). Cytogenetic location: 19p13.3.
Variant type: single nucleotide variant.
Coding change: c.633C>T on transcript NM_024407.5 (MANE Select); coding-DNA position 633, C replaced by T.
Protein change: p.Tyr211=; no amino-acid change (tyrosine 211 retained).
Molecular consequence: synonymous variant. On other transcripts: 3 prime UTR variant (1).
Genome position (GRCh38, 1-based): chr19:1,395,479, C>T. VCF-style: chr19-1395479-C-T. GRCh37 (hg19) VCF-style: chr19-1395478-C-T.
Other names: c.*1057C>T (NM_001363602.2).
Identifiers: ClinVar variation 1254345 (VCV001254345.2), dbSNP rs766075189, ClinGen allele CA9043486.

ClinVar aggregate classification (germline): Uncertain significance (1 of 4 stars; one submission).

Allele frequency attached by ClinVar (database versions not stated): gnomAD exomes below 0.00001; TOPMed below 0.00001; gnomAD 0.00001; 1000 Genomes Project 30x 0.00031.
gnomAD v4.1: 2 of 1,585,230 alleles (0.00013%); highest among the groups gnomAD compares: African/African-American, 0.0013%; no homozygotes.

Submission:

GeneDx
Classification: Uncertain significance. Last evaluated: 2021-07-15. Review status: criteria provided, single submitter. Criteria: GeneDx Variant Classification Process June 2021. Collection method: clinical testing. Allele origin: germline. Affected: yes.
Comment: Has not been previously published as pathogenic or benign to our knowledge; Reliable data are not available in large population cohorts to assess the frequency of this variant in publicly available databases; In-silico analysis, which includes splice predictors and evolutionary conservation, is inconclusive as to whether the variant alters gene splicing. In the absence of RNA/functional studies, the actual effect of this sequence change is unknown.; This variant is associated with the following publications: (PMID: 27535533)